The following is an entry in ClinVar:

ClinVar aggregate classification (germline): Uncertain significance (1 of 4 stars; one submission).

Conditions:
Encephalopathy, acute, infection-induced (herpes-specific), susceptibility to, 1. Also called: Herpes simplex encephalitis, susceptibility to, 1. Identifiers: Orphanet 1930, MedGen C2750180, MONDO:0024563, OMIM 610551.

Allele frequency attached by ClinVar (database versions not stated): gnomAD exomes below 0.00001; TOPMed below 0.00001.
gnomAD v4.1: 1 of 1,548,544 alleles (0.000065%); highest among the groups gnomAD compares: Non-Finnish European, 0.000087%; no homozygotes.

Submission:

Labcorp Genetics (formerly Invitae), Labcorp
Classification: Uncertain significance for Encephalopathy, acute, infection-induced (herpes-specific), susceptibility to, 1. Last evaluated: 2020-02-13. Review status: criteria provided, single submitter. Criteria: Invitae Variant Classification Sherloc (09022015). Collection method: clinical testing. Allele origin: germline.
Comment: In summary, the available evidence is currently insufficient to determine the role of this variant in disease. Therefore, it has been classified as a Variant of Uncertain Significance. Experimental studies and prediction algorithms are not available or were not evaluated, and the functional significance of this variant is currently unknown. This variant has not been reported in the literature in individuals with UNC93B1-related conditions. The frequency data for this variant in the population databases is considered unreliable, as metrics indicate insufficient coverage at this position in the ExAC database. This sequence change replaces glycine with arginine at codon 410 of the UNC93B1 protein (p.Gly410Arg). There is a moderate physicochemical difference between glycine and arginine.

NM_030930.4(UNC93B1):c.1228G>A (p.Gly410Arg)

Gene: UNC93B1 (unc-93B1 regulator of TLR signaling; minus strand). Cytogenetic location: 11q13.2.
Variant type: single nucleotide variant.
Coding change: c.1228G>A on transcript NM_030930.4 (MANE Select); coding-DNA position 1228, G replaced by A.
Protein change: p.Gly410Arg; replaces glycine 410 with arginine.
Molecular consequence: missense variant.
Genome position (GRCh38, 1-based): chr11:67,995,746, C>T on the plus strand (G>A on the coding strand, the complement: UNC93B1 is on the minus strand). VCF-style: chr11-67995746-C-T. GRCh37 (hg19) VCF-style: chr11-67763217-C-T.
Other names: short protein forms G410R.
Identifiers: ClinVar variation 998770 (VCV000998770.7), dbSNP rs1163474179, ClinGen allele CA381570534.